The following is an entry in ClinVar:

NM_001854.4(COL11A1):c.882A>G (p.Thr294=)

Gene: COL11A1 (collagen type XI alpha 1 chain; minus strand). Cytogenetic location: 1p21.1.
Variant type: single nucleotide variant.
Coding change: c.882A>G on transcript NM_001854.4 (MANE Select); coding-DNA position 882, A replaced by G.
Protein change: p.Thr294=; no amino-acid change (threonine 294 retained).
Molecular consequence: synonymous variant. On other transcripts: non-coding transcript variant (1), intron variant (2).
Genome position (GRCh38, 1-based): chr1:103,026,231, T>C on the plus strand (A>G on the coding strand, the complement: COL11A1 is on the minus strand). VCF-style: chr1-103026231-T-C. GRCh37 (hg19) VCF-style: chr1-103491787-T-C.
Other names: c.882A>G, p.Thr294= (NM_080630.4); c.781-618A>G (NM_001190709.2); c.781-279A>G (NM_080629.3).
Identifiers: ClinVar variation 668170 (VCV000668170.11), dbSNP rs201141662, ClinGen allele CA975285.
Genomic context (GRCh38, chr1:103,026,231, plus strand): 5'-ACGAACAGCAGGACACCACATACACAGGCACTGCTTTGTTTTTACCTCCGTCTGTGCTAT[T>C]GTCTCCTCAGTTACAGTGGGTCCCTCTGTTACACTTTCAGCCTCTTTATACTCTGCTTCC-3'
Protein context (NP_001845.3, residues 284-304): VTEGPTVTEE[Thr294=]IAQTEANIVD

ClinVar aggregate classification (germline): Likely benign. Review status: criteria provided, multiple submitters, no conflicts (2 of 4 stars). 5 submissions from 5 submitters: Likely benign (4). 1 of the submissions does not count toward it. Last evaluated 2026-05-11.

Conditions:
COL11A1-related disorder. Also called: COL11A1-related disorders; COL11A1-related condition.

Allele frequency attached by ClinVar (database versions not stated): gnomAD 0.00013; 1000 Genomes Project 30x 0.00016; TOPMed 0.00018; 1000 Genomes Project 0.00020.
gnomAD v4.1: 64 of 1,612,110 alleles (0.004%); highest among the groups gnomAD compares: African/African-American, 0.073%; no homozygotes.

Submissions (5):

Women's Health and Genetics/Laboratory Corporation of America, LabCorp
Classification: Likely benign. Last evaluated: 2026-05-11. Review status: criteria provided, single submitter. Criteria: LabCorp Variant Classification Summary - May 2015. Collection method: clinical testing. Allele origin: germline.

Labcorp Genetics (formerly Invitae), Labcorp
Classification: Likely benign. Last evaluated: 2025-10-22. Review status: criteria provided, single submitter. Criteria: Invitae Variant Classification Sherloc (09022015). Collection method: clinical testing. Allele origin: germline.

Blueprint Genetics
Classification: Likely benign. Last evaluated: 2022-11-09. Review status: criteria provided, single submitter. Criteria: ACMG Guidelines, 2015. Collection method: clinical testing. Allele origin: germline.

GeneDx
Classification: Likely benign. Last evaluated: 2020-11-24. Review status: criteria provided, single submitter. Criteria: GeneDx Variant Classification Process June 2021. Collection method: clinical testing. Allele origin: germline. Affected: yes.

PreventionGenetics, part of Exact Sciences
Classification: Likely benign for COL11A1-related condition. Last evaluated: 2019-04-05. Review status: no assertion criteria provided. Collection method: clinical testing. Allele origin: germline. Not counted in ClinVar's aggregate classification.
Comment: This variant is classified as likely benign based on ACMG/AMP sequence variant interpretation guidelines (Richards et al. 2015 PMID: 25741868, with internal and published modifications).